The following is an entry in ClinVar:

NM_032237.5(POMK):c.908G>A (p.Arg303Gln)

Gene: POMK (protein O-mannose kinase; plus strand). Cytogenetic location: 8p11.21.
Variant type: single nucleotide variant.
Coding change: c.908G>A on transcript NM_032237.5 (MANE Select); coding-DNA position 908, G replaced by A.
Protein change: p.Arg303Gln; replaces arginine 303 with glutamine.
Molecular consequence: missense variant.
Genome position (GRCh38, 1-based): chr8:43,122,732, G>A. VCF-style: chr8-43122732-G-A. GRCh37 (hg19) VCF-style: chr8-42977875-G-A.
Other names: c.908G>A, p.Arg303Gln (NM_001277971.2); c.908G>A (NM_032237.3); short protein forms R303Q.
Identifiers: ClinVar variation 971161 (VCV000971161.6), dbSNP rs370946940, ClinGen allele CA4736376.

ClinVar aggregate classification (germline): Uncertain significance. Review status: criteria provided, multiple submitters, no conflicts (2 of 4 stars). 2 submissions from 2 submitters: Uncertain significance (2). Last evaluated 2023-10-13.

Conditions:
Muscular dystrophy-dystroglycanopathy (congenital with brain and eye anomalies), type a, 12 (MDDGA12). Also called: WALKER-WARBURG SYNDROME OR MUSCLE-EYE-BRAIN DISEASE, POMK-RELATED. Identifiers: Orphanet 899, MedGen C3808964, MONDO:0014101, OMIM 615249.
Limb-girdle muscular dystrophy due to POMK deficiency. Also called: MUSCULAR DYSTROPHY-DYSTROGLYCANOPATHY, LIMB-GIRDLE, POMK-RELATED; Muscular dystrophy-dystroglycanopathy (limb-girdle), type c, 12. Identifiers: Orphanet 445110, MedGen C4015184, MONDO:0014489, OMIM 616094.
Inborn genetic diseases. Identifiers: MedGen C0950123, MeSH D030342.

Allele frequency attached by ClinVar (database versions not stated): gnomAD exomes 0.00001; ExAC 0.00002; gnomAD 0.00002; TOPMed 0.00002; ESP Exome Variant Server 0.00008.
gnomAD v4.1: 23 of 1,614,072 alleles (0.0014%); highest among the groups gnomAD compares: East Asian, 0.0089%; no homozygotes.

Submissions (2):

Labcorp Genetics (formerly Invitae), Labcorp
Classification: Uncertain significance for Muscular dystrophy-dystroglycanopathy (congenital with brain and eye anomalies), type a, 12; Limb-girdle muscular dystrophy due to POMK deficiency. Last evaluated: 2023-10-13. Review status: criteria provided, single submitter. Criteria: Invitae Variant Classification Sherloc (09022015). Collection method: clinical testing. Allele origin: germline.
Comment: This sequence change replaces arginine, which is basic and polar, with glutamine, which is neutral and polar, at codon 303 of the POMK protein (p.Arg303Gln). This variant is present in population databases (rs370946940, gnomAD no frequency). This variant has not been reported in the literature in individuals affected with POMK-related conditions. ClinVar contains an entry for this variant (Variation ID: 971161). Advanced modeling of protein sequence and biophysical properties (such as structural, functional, and spatial information, amino acid conservation, physicochemical variation, residue mobility, and thermodynamic stability) performed at Invitae indicates that this missense variant is not expected to disrupt POMK protein function. In summary, the available evidence is currently insufficient to determine the role of this variant in disease. Therefore, it has been classified as a Variant of Uncertain Significance.

Ambry Genetics
Classification: Uncertain significance for Inborn genetic diseases. Last evaluated: 2023-03-06. Review status: criteria provided, single submitter. Criteria: Ambry Variant Classification Scheme 2023. Collection method: clinical testing. Allele origin: germline.